The following is an entry in ClinVar:

NM_001035.3(RYR2):c.9983A>G (p.Lys3328Arg)

Gene: RYR2 (ryanodine receptor 2; plus strand). Cytogenetic location: 1q43.
Variant type: single nucleotide variant.
Coding change: c.9983A>G on transcript NM_001035.3 (MANE Select); coding-DNA position 9983, A replaced by G.
Protein change: p.Lys3328Arg; replaces lysine 3328 with arginine.
Molecular consequence: missense variant.
Genome position (GRCh38, 1-based): chr1:237,708,939, A>G. VCF-style: chr1-237708939-A-G. GRCh37 (hg19) VCF-style: chr1-237872239-A-G.
Other names: short protein forms K3328R.
Identifiers: ClinVar variation 1317045 (VCV001317045.2), dbSNP rs2149066791, ClinGen allele CA345410515.
Genomic context (GRCh38, chr1:237,708,939, plus strand): 5'-ATAAAGTGAAACCTCAGCTCTTGAAAACTCATTTCTTGCCGTTAATGGAGAAACTCAAGA[A>G]AAAGGCAGCTACGGTGGTGTCTGAGGAAGACCACCTGAAAGCTGAGGCCAGGGGGGACAT-3'
Protein context (NP_001026.2, residues 3318-3338): HFLPLMEKLK[Lys3328Arg]KAATVVSEED

ClinVar aggregate classification (germline): Uncertain significance (1 of 4 stars; one submission).

Submission:

GeneDx
Classification: Uncertain significance. Last evaluated: 2019-07-12. Review status: criteria provided, single submitter. Criteria: GeneDx Variant Classification Process June 2021. Collection method: clinical testing. Allele origin: germline. Affected: yes.
Comment: Has not been previously published as pathogenic or benign to our knowledge; Not observed in large population cohorts (Lek et al., 2016); In silico analysis, which includes protein predictors and evolutionary conservation, supports a deleterious effect; Is not located in one of the three hot-spot regions of the RYR2 gene, where the majority of pathogenic missense variants occur (Medeiros-Domingo et al., 2009)